The following is an entry in ClinVar:

ClinVar aggregate classification (germline): Pathogenic/Likely pathogenic. Review status: criteria provided, multiple submitters, no conflicts (2 of 4 stars). 4 submissions from 4 submitters: Pathogenic (3); Likely pathogenic (1). Last evaluated 2025-10-11.

Conditions:
Hereditary hemorrhagic telangiectasia (HHT). Also called: ORW DISEASE; Osler Weber Rendu syndrome; OSLER-RENDU-WEBER DISEASE; Osler hemorrhagic telangiectasia syndrome. Identifiers: Orphanet 774, MedGen C0039445, MONDO:0019180. Disease mechanism: loss of function.
ENG-related disorder. Also called: ENG-related condition; ENG-related disorders.
Cardiovascular phenotype. Identifiers: MedGen CN230736.

Submissions (4):

Labcorp Genetics (formerly Invitae), Labcorp
Classification: Pathogenic for Hereditary hemorrhagic telangiectasia. Last evaluated: 2025-10-11. Review status: criteria provided, single submitter. Criteria: Invitae Variant Classification Sherloc (09022015). Collection method: clinical testing. Allele origin: germline.
Comment: This sequence change creates a premature translational stop signal (p.Arg153Glyfs*8) in the ENG gene. It is expected to result in an absent or disrupted protein product. Loss-of-function variants in ENG are known to be pathogenic (PMID: 15879500). This variant is not present in population databases (gnomAD no frequency). This variant has not been reported in the literature in individuals affected with ENG-related conditions. ClinVar contains an entry for this variant (Variation ID: 1343358). For these reasons, this variant has been classified as Pathogenic.

Mayo Clinic Laboratories, Mayo Clinic
Classification: Pathogenic. Last evaluated: 2023-02-23. Review status: criteria provided, single submitter. Criteria: ACMG Guidelines, 2015. Collection method: clinical testing. Allele origin: germline. Observed: 2 variant alleles.
Comment: PP4, PM2_supporting, PVS1

Blueprint Genetics
Classification: Likely pathogenic for ENG-related disorders. Last evaluated: 2021-11-08. Review status: criteria provided, single submitter. Criteria: ACMG Guidelines, 2015. Collection method: clinical testing. Allele origin: germline. Affected: yes. Observed: 1 variant allele.

Ambry Genetics
Classification: Pathogenic for Cardiovascular phenotype. Last evaluated: 2020-07-23. Review status: criteria provided, single submitter. Criteria: Ambry Variant Classification Scheme 2023. Collection method: clinical testing. Allele origin: germline.
Comment: The c.457_458delAG variant, located in coding exon 4 of the ENG gene, results from a deletion of two nucleotides at nucleotide positions 457 to 458, causing a translational frameshift with a predicted alternate stop codon (p.R153Gfs*8). This alteration is expected to result in loss of function by premature protein truncation or nonsense-mediated mRNA decay. As such, this alteration is interpreted as a disease-causing mutation.

Literature cited by the submitters: PubMed 15879500 (cited by Labcorp Genetics (formerly Invitae), Labcorp).

NM_001114753.3(ENG):c.457_458del (p.Arg153fs)

Gene: ENG (endoglin; minus strand). Cytogenetic location: 9q34.11.
Variant type: Microsatellite.
Coding change: c.457_458del on transcript NM_001114753.3 (MANE Select); coding-DNA positions 457 to 458, 2 bases deleted (AG; older notation c.457_458delAG).
Protein change: p.Arg153fs; shifts the reading frame from arginine 153.
Molecular consequence: frameshift variant. On other transcripts: 5 prime UTR variant (1).
Genome position (GRCh38, 1-based): chr9:127,826,575-127,826,576, CT deleted on the plus strand (AG on the coding strand, the reverse complement: ENG is on the minus strand); deleting any 2 consecutive bases within chr9:127,826,575-127,826,579 gives the same sequence; the c. name uses the placement nearest the transcript's 3' end. VCF-style (leftmost placement, unchanged base first): chr9-127826574-CCT-C. GRCh37 (hg19) VCF-style: chr9-130588853-CCT-C.
Other names: p.Arg153Glyfs*8; c.457_458del (NM_001114753.2); c.454_455GA[1], p.Arg153Glyfs (NM_000118.4, NM_001114753.2, NM_001406715.1); c.-92AG[1] (NM_001278138.2); short protein forms R153fs.
Identifiers: ClinVar variation 1343358 (VCV001343358.13), dbSNP rs2131890509, ClinGen allele CA2580616318.